The following is an entry in ClinVar:

NM_007294.4(BRCA1):c.5302T>A (p.Cys1768Ser)

Gene: BRCA1 (BRCA1 DNA repair associated; minus strand). Cytogenetic location: 17q21.31.
Variant type: single nucleotide variant.
Coding change: c.5302T>A on transcript NM_007294.4 (MANE Select); coding-DNA position 5302, T replaced by A.
Protein change: p.Cys1768Ser; replaces cysteine 1768 with serine.
Molecular consequence: missense variant. On other transcripts: non-coding transcript variant (1).
Genome position (GRCh38, 1-based): chr17:43,051,093, A>T on the plus strand (T>A on the coding strand, the complement: BRCA1 is on the minus strand). VCF-style: chr17-43051093-A-T. GRCh37 (hg19) VCF-style: chr17-41203110-A-T.
Other names: c.5089T>A, p.Cys1697Ser (NM_001407571.1, NM_001407896.1, NM_001407897.1 and 12 more transcripts); c.5368T>A, p.Cys1790Ser (NM_001407581.1, NM_001407582.1); c.5365T>A, p.Cys1789Ser (NM_001407583.1, NM_001407585.1, NM_001407587.1 and 1 more transcripts); c.5362T>A, p.Cys1788Ser (NM_001407590.1, NM_001407591.1); c.5302T>A, p.Cys1768Ser (NM_001407593.1, NM_001407594.1, NM_001407596.1 and 6 more transcripts); c.5299T>A, p.Cys1767Ser (NM_001407610.1, NM_001407611.1, NM_001407612.1 and 17 more transcripts); c.5296T>A, p.Cys1766Ser (NM_001407627.1, NM_001407628.1, NM_001407629.1 and 14 more transcripts); c.5293T>A, p.Cys1765Ser (NM_001407644.1, NM_001407645.1); and 72 more; short protein forms C664S, C1721S, C1768S, C1789S, C1639S, C1678S, C1679S, C1698S.
Identifiers: ClinVar variation 868295 (VCV000868295.3), dbSNP rs431825416, ClinGen allele CA10590945.
Genomic context (GRCh38, chr17:43,051,093, plus strand): 5'-TGGAACTCTGGGGTTCTCCCAGGCTCTTACCTGTGGGCATGTTGGTGAAGGGCCCATAGC[A>T]ACAGATTTCTAGCCCCCTGAAGATCTGGAAGAAGAGAGGAAGAGAGAGGGACAGGGGAAT-3'
Protein context (NP_009225.1, residues 1758-1778): RKIFRGLEIC[Cys1768Ser]YGPFTNMPTD

Conditions:
Breast-ovarian cancer, familial, susceptibility to, 1 (BROVCA1). Also called: BRCA1 Hereditary Breast and Ovarian Cancer; OVARIAN CANCER, SUSCEPTIBILITY TO. Identifiers: Orphanet 145, MedGen C2676676, MONDO:0011450, OMIM 604370. Disease mechanism: loss of function.

Submission:

Brotman Baty Institute, University of Washington
No classification provided (evidence only). Condition: Breast-ovarian cancer, familial 1. Review status: no classification provided. Collection method: in vitro. Allele origin: not applicable. Functional consequence: function_uncertain_variant.
ClinVar note: "not provided" was previously submitted as the classification for the variant. However, the classification appeared to be based only on an observation of functional data so it was converted to no classification on 2025-07-30.